The following is an entry in ClinVar:

ClinVar aggregate classification (germline): Uncertain significance. Review status: criteria provided, multiple submitters, no conflicts (2 of 4 stars). 2 submissions from 2 submitters: Uncertain significance (2). Last evaluated 2024-04-01.

gnomAD v4.1: 10 of 1,551,708 alleles (0.00064%); highest among the groups gnomAD compares: Admixed American, 0.0059%; no homozygotes.

Submissions (2):

Labcorp Genetics (formerly Invitae), Labcorp
Classification: Uncertain significance. Last evaluated: 2024-04-01. Review status: criteria provided, single submitter. Criteria: Invitae Variant Classification Sherloc (09022015). Collection method: clinical testing. Allele origin: germline.
Comment: This sequence change replaces alanine, which is neutral and non-polar, with threonine, which is neutral and polar, at codon 1641 of the LOXHD1 protein (p.Ala1641Thr). This variant is present in population databases (no rsID available, gnomAD 0.008%). This variant has not been reported in the literature in individuals affected with LOXHD1-related conditions. An algorithm developed to predict the effect of missense changes on protein structure and function (PolyPhen-2) suggests that this variant is likely to be disruptive. In summary, the available evidence is currently insufficient to determine the role of this variant in disease. Therefore, it has been classified as a Variant of Uncertain Significance.

Blueprint Genetics
Classification: Uncertain significance. Last evaluated: 2023-04-03. Review status: criteria provided, single submitter. Criteria: ACMG Guidelines, 2015. Collection method: clinical testing. Allele origin: germline.

NM_001384474.1(LOXHD1):c.4921G>A (p.Ala1641Thr)

Gene: LOXHD1 (lipoxygenase homology PLAT domains 1; minus strand). Cytogenetic location: 18q21.1.
Variant type: single nucleotide variant.
Coding change: c.4921G>A on transcript NM_001384474.1 (MANE Select); coding-DNA position 4921, G replaced by A.
Protein change: p.Ala1641Thr; replaces alanine 1641 with threonine.
Molecular consequence: missense variant.
Genome position (GRCh38, 1-based): chr18:46,522,265, C>T on the plus strand (G>A on the coding strand, the complement: LOXHD1 is on the minus strand). VCF-style: chr18-46522265-C-T. GRCh37 (hg19) VCF-style: chr18-44102228-C-T.
Other names: c.1588G>A, p.Ala530Thr (NM_001145472.3); c.1300G>A, p.Ala434Thr (NM_001308013.2); c.4921G>A, p.Ala1641Thr (NM_144612.7); short protein forms A1641T, A434T, A530T.
Identifiers: ClinVar variation 3702540 (VCV003702540.3).